The following is an entry in ClinVar:

NM_001267550.2(TTN):c.25134A>G (p.Ala8378=)

Gene: TTN (titin; minus strand). Cytogenetic location: 2q31.2.
Variant type: single nucleotide variant.
Coding change: c.25134A>G on transcript NM_001267550.2 (MANE Select); coding-DNA position 25134, A replaced by G.
Protein change: p.Ala8378=; no amino-acid change (alanine 8378 retained).
Molecular consequence: synonymous variant. On other transcripts: intron variant (3).
Genome position (GRCh38, 1-based): chr2:178,717,740, T>C on the plus strand (A>G on the coding strand, the complement: TTN is on the minus strand). VCF-style: chr2-178717740-T-C. GRCh37 (hg19) VCF-style: chr2-179582467-T-C.
Other names: p.A8061A:GCA>GCG; c.24183A>G, p.Ala8061= (NM_001256850.1); c.21402A>G, p.Ala7134= (NM_133378.4); c.13282+20342A>G (NM_003319.4); c.13858+20342A>G (NM_133437.4); c.13657+20342A>G (NM_133432.3).
Identifiers: ClinVar variation 46753 (VCV000046753.30), dbSNP rs371819104, ClinGen allele CA282922.

ClinVar aggregate classification (germline): Benign/Likely benign. Review status: criteria provided, multiple submitters, no conflicts (2 of 4 stars). 15 submissions from 12 submitters: Benign (8); Likely benign (4). 3 of the submissions do not count toward it. Last evaluated 2026-02-02.

Conditions:
Dilated cardiomyopathy 1G (CMD1G). Identifiers: Orphanet 154, MedGen C1858763, MONDO:0011400, OMIM 604145.
Autosomal recessive limb-girdle muscular dystrophy type 2J (LGMDR10). Also called: MUSCULAR DYSTROPHY, LIMB-GIRDLE, AUTOSOMAL RECESSIVE 10; Limb-girdle muscular dystrophy, type 2J. Identifiers: Orphanet 140922, MedGen C1837342, MONDO:0012127, OMIM 608807.
TTN-related disorder. Also called: TTN-related disorders; TTN-related condition; TTN-related disease.
Cardiomyopathy (CMYO). Also called: Cardiomyopathies. Identifiers: Orphanet 167848, MedGen C0878544, MONDO:0004994, HP:0001638. Inheritance: Various modes of inheritance.
Early-onset myopathy with fatal cardiomyopathy (CMYO5). Also called: CONGENITAL MYOPATHY 5 WITH CARDIOMYOPATHY; Salih Myopathy. Identifiers: Orphanet 289377, MedGen C2673677, MONDO:0012714, OMIM 611705. Disease mechanism: loss of function.
Myopathy, myofibrillar, 9, with early respiratory failure (MFM9). Also called: Myopathy, distal, with early respiratory failure, autosomal dominant; Hereditary myopathy with early respiratory failure; MYOPATHY, PROXIMAL, WITH EARLY RESPIRATORY MUSCLE INVOLVEMENT; EDSTROM MYOPATHY. Identifiers: Orphanet 178464, Orphanet 34521, MedGen C1863599, MONDO:0011362, OMIM 603689.
Tibial muscular dystrophy (TMD). Also called: Udd Distal Myopathy – Tibial Muscular Dystrophy; Tibial muscular dystrophy, tardive; UDD MYOPATHY. Identifiers: Orphanet 609, MedGen C1838244, MONDO:0010870, OMIM 600334.

Allele frequency attached by ClinVar (database versions not stated): gnomAD exomes 0.00010 and 0.00027; gnomAD 0.00111 and 0.00122; ESP Exome Variant Server 0.00084; 1000 Genomes Project 0.00100; 1000 Genomes Project 30x 0.00109; ExAC 0.00034; TOPMed 0.00116.
gnomAD v4.1: 330 of 1,613,300 alleles (0.02%); highest among the groups gnomAD compares: African/African-American, 0.4%; no homozygotes.

Submissions (15):

Labcorp Genetics (formerly Invitae), Labcorp
Classification: Benign for Dilated cardiomyopathy 1G; Autosomal recessive limb-girdle muscular dystrophy type 2J. Last evaluated: 2026-02-02. Review status: criteria provided, single submitter. Criteria: Invitae Variant Classification Sherloc (09022015). Collection method: clinical testing. Allele origin: germline.

Women's Health and Genetics/Laboratory Corporation of America, LabCorp
Classification: Likely benign. Last evaluated: 2025-09-15. Review status: criteria provided, single submitter. Criteria: LabCorp Variant Classification Summary - May 2015. Collection method: clinical testing. Allele origin: germline.

Molecular Diagnostic Laboratory for Inherited Cardiovascular Disease, Montreal Heart Institute
Classification: Benign. Last evaluated: 2025-04-09. Review status: criteria provided, single submitter. Criteria: ACMG Guidelines, 2015. Collection method: clinical testing. Allele origin: germline. Affected: no.

Genome-Nilou Lab
Classification: Benign for Autosomal recessive limb-girdle muscular dystrophy type 2J. Last evaluated: 2021-09-10. Review status: criteria provided, single submitter. Criteria: ACMG Guidelines, 2015. Collection method: clinical testing. Allele origin: germline. Affected: no.

Genome-Nilou Lab
Classification: Benign for Myopathy, myofibrillar, 9, with early respiratory failure. Last evaluated: 2021-09-10. Review status: criteria provided, single submitter. Criteria: ACMG Guidelines, 2015. Collection method: clinical testing. Allele origin: germline. Affected: no.

Genome-Nilou Lab
Classification: Benign for Early-onset myopathy with fatal cardiomyopathy. Last evaluated: 2021-09-10. Review status: criteria provided, single submitter. Criteria: ACMG Guidelines, 2015. Collection method: clinical testing. Allele origin: germline. Affected: no.

Genome-Nilou Lab
Classification: Benign for Tibial muscular dystrophy. Last evaluated: 2021-09-10. Review status: criteria provided, single submitter. Criteria: ACMG Guidelines, 2015. Collection method: clinical testing. Allele origin: germline. Affected: no.

CHEO Genetics Diagnostic Laboratory, Children's Hospital of Eastern Ontario
Classification: Benign for Cardiomyopathy. Last evaluated: 2016-09-08. Review status: criteria provided, single submitter. Criteria: ACMG Guidelines, 2015. Collection method: clinical testing. Allele origin: germline. Study: Canadian Open Genetics Repository.

Eurofins Ntd Llc (ga)
Classification: Likely benign. Last evaluated: 2014-12-16. Review status: criteria provided, single submitter. Criteria: EGL Classification Definitions 2015. Collection method: clinical testing. Allele origin: germline. Observed: 1 variant allele, 1 heterozygote.

GeneDx
Classification: Benign. Last evaluated: 2014-06-26. Review status: criteria provided, single submitter. Criteria: GeneDx Variant Classification (06012015). Collection method: clinical testing. Allele origin: germline. Affected: yes.
Comment: This variant is considered likely benign or benign based on one or more of the following criteria: it is a conservative change, it occurs at a poorly conserved position in the protein, it is predicted to be benign by multiple in silico algorithms, and/or has population frequency not consistent with disease.

Laboratory for Molecular Medicine, Mass General Brigham Personalized Medicine
Classification: Likely benign. Last evaluated: 2012-03-19. Review status: criteria provided, single submitter. Criteria: LMM Criteria. Collection method: clinical testing. Allele origin: germline. Observed: 2 variant alleles.
Comment: Ala7134Ala in exon 84 of TTN: This variant is not expected to have clinical sign ificance because it does not alter an amino acid residue and is not located with in the splice consensus sequence. It has been identified in 0.3% (8/2996) of Afr ican American chromosomes from a broad population by the NHLBI Exome Sequencing Project. Ala7134Ala in exon 84 of TTN (allel e frequency = 0.3%, 8/2996) **

Breakthrough Genomics
Classification: Likely benign. Review status: criteria provided, single submitter. Criteria: ACMG Guidelines, 2015. Collection method: not provided. Allele origin: germline. Inheritance: Autosomal recessive inheritance. Affected: yes.

PreventionGenetics, part of Exact Sciences
Classification: Likely benign for TTN-related condition. Last evaluated: 2024-08-21. Review status: no assertion criteria provided. Collection method: clinical testing. Allele origin: germline. Not counted in ClinVar's aggregate classification.
Comment: This variant is classified as likely benign based on ACMG/AMP sequence variant interpretation guidelines (Richards et al. 2015 PMID: 25741868, with internal and published modifications).

Clinical Genetics DNA and cytogenetics Diagnostics Lab, Erasmus MC, Erasmus Medical Center
Classification: Likely benign. Review status: no assertion criteria provided. Collection method: clinical testing. Allele origin: germline. Affected: yes. Study: VKGL Data-share Consensus. Not counted in ClinVar's aggregate classification.

Clinical Genetics, Academic Medical Center
Classification: Benign. Review status: no assertion criteria provided. Collection method: clinical testing. Allele origin: germline. Affected: yes. Study: VKGL Data-share Consensus. Not counted in ClinVar's aggregate classification.